The following is an entry in ClinVar:

NM_021254.4(CFAP298):c.386A>T (p.Glu129Val)

Genes: CFAP298 (cilia and flagella associated protein 298; minus strand), CFAP298-TCP10L (CFAP298-TCP10L readthrough; minus strand). Cytogenetic location: 21q22.11.
Variant type: single nucleotide variant.
Coding change: c.386A>T on transcript NM_021254.4 (MANE Select); coding-DNA position 386, A replaced by T.
Protein change: p.Glu129Val; replaces glutamic acid 129 with valine.
Molecular consequence: missense variant. On other transcripts: non-coding transcript variant (2).
Genome position (GRCh38, 1-based): chr21:32,604,273, T>A on the plus strand (A>T on the coding strand, the complement: CFAP298 is on the minus strand). VCF-style: chr21-32604273-T-A. GRCh37 (hg19) VCF-style: chr21-33976583-T-A.
Other names: c.386A>T, p.Glu129Val (NM_001350338.2, NM_001350335.2, NM_001350336.2 and 1 more transcripts); c.89A>T, p.Glu30Val (NM_001350334.2); short protein forms E129V, E30V.
Identifiers: ClinVar variation 2142718 (VCV002142718.4), dbSNP rs2517194541, ClinGen allele CA410074685.

ClinVar aggregate classification (germline): Uncertain significance (1 of 4 stars; one submission).

gnomAD v4.1: 8 of 1,614,062 alleles (0.0005%); highest among the groups gnomAD compares: Non-Finnish European, 0.00068%; no homozygotes.

Submission:

Labcorp Genetics (formerly Invitae), Labcorp
Classification: Uncertain significance. Last evaluated: 2024-10-17. Review status: criteria provided, single submitter. Criteria: Invitae Variant Classification Sherloc (09022015). Collection method: clinical testing. Allele origin: germline.
Comment: This sequence change replaces glutamic acid, which is acidic and polar, with valine, which is neutral and non-polar, at codon 129 of the CFAP298 protein (p.Glu129Val). This variant is not present in population databases (gnomAD no frequency). This variant has not been reported in the literature in individuals affected with CFAP298-related conditions. ClinVar contains an entry for this variant (Variation ID: 2142718). An algorithm developed to predict the effect of missense changes on protein structure and function (PolyPhen-2) suggests that this variant is likely to be tolerated. In summary, the available evidence is currently insufficient to determine the role of this variant in disease. Therefore, it has been classified as a Variant of Uncertain Significance.